The following is an entry in ClinVar:

ClinVar aggregate classification (germline): Uncertain significance (1 of 4 stars; one submission).

Conditions:
Cardiovascular phenotype. Identifiers: MedGen CN230736.

Submission:

Ambry Genetics
Classification: Uncertain significance for Cardiovascular phenotype. Last evaluated: 2020-09-25. Review status: criteria provided, single submitter. Criteria: Ambry Variant Classification Scheme 2023. Collection method: clinical testing. Allele origin: germline.
Comment: The p.A792T variant (also known as c.2374G>A), located in coding exon 18 of the MYH6 gene, results from a G to A substitution at nucleotide position 2374. The alanine at codon 792 is replaced by threonine, an amino acid with similar properties. This amino acid position is highly conserved in available vertebrate species. In addition, this alteration is predicted to be deleterious by in silico analysis. Since supporting evidence is limited at this time, the clinical significance of this alteration remains unclear.

NM_002471.4(MYH6):c.2374G>A (p.Ala792Thr)

Gene: MYH6 (myosin heavy chain 6; minus strand). Cytogenetic location: 14q11.2.
Variant type: single nucleotide variant.
Coding change: c.2374G>A on transcript NM_002471.4 (MANE Select); coding-DNA position 2374, G replaced by A.
Protein change: p.Ala792Thr; replaces alanine 792 with threonine.
Molecular consequence: missense variant.
Genome position (GRCh38, 1-based): chr14:23,396,339, C>T on the plus strand (G>A on the coding strand, the complement: MYH6 is on the minus strand). VCF-style: chr14-23396339-C-T. GRCh37 (hg19) VCF-style: chr14-23865548-C-T.
Other names: short protein forms A792T.
Identifiers: ClinVar variation 1790339 (VCV001790339.2), dbSNP rs2502177418, ClinGen allele CA389016229.